The following is an entry in ClinVar:

NM_000053.4(ATP7B):c.1201G>A (p.Val401Ile)

Gene: ATP7B (ATPase copper transporting beta; minus strand). Cytogenetic location: 13q14.3.
Variant type: single nucleotide variant.
Coding change: c.1201G>A on transcript NM_000053.4 (MANE Select); coding-DNA position 1201, G replaced by A.
Protein change: p.Val401Ile; replaces valine 401 with isoleucine.
Molecular consequence: missense variant.
Genome position (GRCh38, 1-based): chr13:51,974,019, C>T on the plus strand (G>A on the coding strand, the complement: ATP7B is on the minus strand). VCF-style: chr13-51974019-C-T. GRCh37 (hg19) VCF-style: chr13-52548155-C-T.
Other names: c.1201G>A, p.Val401Ile (NM_001406540.1, NM_001406541.1, NM_001406542.1 and 29 more transcripts); c.1105G>A, p.Val369Ile (NM_001406543.1, NM_001406544.1, NM_001406517.1 and 3 more transcripts); c.868G>A, p.Val290Ile (NM_001243182.2); c.772G>A, p.Val258Ile (NM_001406539.1); c.1201G>A (NM_000053.3); short protein forms V258I, V290I, V369I, V401I.
Identifiers: ClinVar variation 3385699 (VCV003385699.2).

ClinVar aggregate classification (germline): Uncertain significance. Review status: criteria provided, single submitter (1 of 4 stars). 2 submissions from 2 submitters: Uncertain significance (1). 1 of the submissions does not count toward it. Last evaluated 2024-02-22.

Conditions:
Wilson disease (WND). Also called: Wilson's disease. Identifiers: Orphanet 905, MedGen C0019202, MONDO:0010200, OMIM 277900. Disease mechanism: loss of function.

gnomAD v4.1: 1 of 1,614,280 alleles (0.000062%); highest among the groups gnomAD compares: Non-Finnish European, 0.000085%; no homozygotes.

Submissions (2):

All of Us Research Program, National Institutes of Health
Classification: Uncertain significance for Wilson disease. Last evaluated: 2024-02-22. Review status: criteria provided, single submitter. Criteria: ACMG Guidelines, 2015. Collection method: clinical testing. Allele origin: germline. Inheritance: Autosomal recessive inheritance. Observed: 1 variant allele, 1 heterozygote.
Comment: This missense variant replaces valine with isoleucine at codon 401 of the ATP7B protein. Computational prediction suggests that this variant may not impact protein structure and function (internally defined REVEL score threshold <= 0.5, PMID: 27666373). To our knowledge, functional studies have not been reported for this variant. This variant has not been reported in individuals affected with ATP7B-related disorders in the literature. This variant has not been identified in the general population by the Genome Aggregation Database (gnomAD). The available evidence is insufficient to determine the role of this variant in disease conclusively. Therefore, this variant is classified as a Variant of Uncertain Significance.

This study involves interpretation of variants in research participants for the purpose of population health screening. Participant phenotype was not available at the time of variant classification. Additional details can be found in publication PMID: 35346344, PMCID: PMC8962531

Natera, Inc.
Classification: Uncertain significance for Wilson disease. Last evaluated: 2025-03-14. Review status: no assertion criteria provided. Collection method: clinical testing. Allele origin: germline. Not counted in ClinVar's aggregate classification.